The following is an entry in ClinVar:

NM_002439.5(MSH3):c.1411G>A (p.Ala471Thr)

Gene: MSH3 (mutS homolog 3; plus strand). Cytogenetic location: 5q14.1.
Variant type: single nucleotide variant.
Coding change: c.1411G>A on transcript NM_002439.5 (MANE Select); coding-DNA position 1411, G replaced by A.
Protein change: p.Ala471Thr; replaces alanine 471 with threonine.
Molecular consequence: missense variant.
Genome position (GRCh38, 1-based): chr5:80,725,523, G>A. VCF-style: chr5-80725523-G-A. GRCh37 (hg19) VCF-style: chr5-80021342-G-A.
Other names: c.1411G>A (NM_002439.3); short protein forms A471T.
Identifiers: ClinVar variation 1441482 (VCV001441482.8), dbSNP rs766775007, ClinGen allele CA3327898.
Genomic context (GRCh38, chr5:80,725,523, plus strand): 5'-GACAGAATTCGAGTCGAAAGGATGGATAACATTTATTTTGAATACAGCCATGCTTTCCAG[G>A]CAGTTACAGAGTTTTATGCAAAAGATACAGTTGACATCAAAGGTAAATATTTTCCCTGTA-3'
Protein context (NP_002430.3, residues 461-481): IYFEYSHAFQ[Ala471Thr]VTEFYAKDTV

ClinVar aggregate classification (germline): Conflicting classifications of pathogenicity. Review status: criteria provided, conflicting classifications (1 of 4 stars). 3 submissions from 3 submitters: Uncertain significance (2); Likely benign (1). Last evaluated 2026-01-27.

Conditions:
Hereditary cancer-predisposing syndrome. Also called: Hereditary Cancer Syndrome; Hereditary neoplastic syndrome; Tumor predisposition; Neoplastic Syndromes, Hereditary. Identifiers: Orphanet 140162, MedGen C0027672, MeSH D009386, MONDO:0015356.
Familial adenomatous polyposis 4 (FAP4). Also called: MSH3-related attenuated familial adenomatous polyposis. Identifiers: Orphanet 480536, MedGen C4310719, MONDO:0044300, OMIM 617100.

Allele frequency attached by ClinVar (database versions not stated): ExAC 0.00001.

Submissions (3):

Helix
Classification: Uncertain significance for Familial adenomatous polyposis 4. Last evaluated: 2026-01-27. Review status: criteria provided, single submitter. Criteria: ACMG Guidelines, 2015. Collection method: clinical testing. Allele origin: germline. Inheritance: Autosomal recessive inheritance.
Comment: This variant (NM_002439.5:c.1411G>A p.Ala471Thr) results in the substitution of alanine with threonine at codon 471 in the MSH3 protein. It is a rare variant that is absent from the large gnomAD population database (v4.1). To our knowledge, this variant has not been reported in individuals with MSH3-related conditions in the published literature. In silico prediction from REVEL (PMID: 27666373) suggests that this variant may be benign. This variant is present in ClinVar (Accession: VCV001441482.6). In conclusion, since the available evidence is limited, the clinical significance of this variant is unclear at this time. Therefore, it is classified as a Variant of Uncertain Significance.

Ambry Genetics
Classification: Likely benign for Hereditary cancer-predisposing syndrome. Last evaluated: 2023-10-26. Review status: criteria provided, single submitter. Criteria: Ambry Variant Classification Scheme 2023. Collection method: clinical testing. Allele origin: germline.

Labcorp Genetics (formerly Invitae), Labcorp
Classification: Uncertain significance. Last evaluated: 2023-04-28. Review status: criteria provided, single submitter. Criteria: Invitae Variant Classification Sherloc (09022015). Collection method: clinical testing. Allele origin: germline.
Comment: In summary, the available evidence is currently insufficient to determine the role of this variant in disease. Therefore, it has been classified as a Variant of Uncertain Significance. Algorithms developed to predict the effect of missense changes on protein structure and function output the following: SIFT: "Not Available"; PolyPhen-2: "Benign"; Align-GVGD: "Not Available". The threonine amino acid residue is found in multiple mammalian species, which suggests that this missense change does not adversely affect protein function. ClinVar contains an entry for this variant (Variation ID: 1441482). This variant has not been reported in the literature in individuals affected with MSH3-related conditions. This variant is present in population databases (rs766775007, gnomAD 0.0009%). This sequence change replaces alanine, which is neutral and non-polar, with threonine, which is neutral and polar, at codon 471 of the MSH3 protein (p.Ala471Thr).